The following is an entry in ClinVar:

ClinVar aggregate classification (germline): Uncertain significance (1 of 4 stars; one submission).

Conditions:
Congenital hyperammonemia, type I. Also called: Carbamoyl phosphate synthetase I deficiency disease; Carbamoyl phosphate synthetase 1 deficiency; Hyperammonemia due to carbamoyl phosphate synthetase 1 deficiency; CPS 1 deficiency; Carbamyl phosphate synthetase (CPS) deficiency; Carbamoyl-phosphate synthase I deficiency. Identifiers: Orphanet 147, MedGen C4082171, MONDO:0009376, OMIM 237300.

Allele frequency attached by ClinVar (database versions not stated): gnomAD exomes below 0.00001 and 0.00001; ExAC 0.00001; TOPMed 0.00002.
gnomAD v4.1: 5 of 1,608,890 alleles (0.00031%); highest among the groups gnomAD compares: Admixed American, 0.005%; no homozygotes.

Submissions (2):

Labcorp Genetics (formerly Invitae), Labcorp
Classification: Uncertain significance for Congenital hyperammonemia, type I. Last evaluated: 2021-12-02. Review status: criteria provided, single submitter. Criteria: Invitae Variant Classification Sherloc (09022015). Collection method: clinical testing. Allele origin: germline.
Comment: This sequence change falls in intron 33 of the CPS1 gene. It does not directly change the encoded amino acid sequence of the CPS1 protein. It affects a nucleotide within the consensus splice site. This variant is present in population databases (rs779886770, gnomAD 0.006%). This variant has not been reported in the literature in individuals affected with CPS1-related conditions. Variants that disrupt the consensus splice site are a relatively common cause of aberrant splicing (PMID: 17576681, 9536098). Algorithms developed to predict the effect of sequence changes on RNA splicing suggest that this variant may disrupt the consensus splice site. In summary, the available evidence is currently insufficient to determine the role of this variant in disease. Therefore, it has been classified as a Variant of Uncertain Significance.

Dr. Peter K. Rogan Lab, Western University
No classification provided (evidence only). Condition: Lung cancer. Review status: no classification provided. Collection method: in vitro. Allele origin: not applicable. Functional consequence: skipped exon. Not counted in ClinVar's aggregate classification.

Literature cited by the submitters: PubMed 17576681 (cited by Labcorp Genetics (formerly Invitae), Labcorp); PubMed 9536098 (cited by Labcorp Genetics (formerly Invitae), Labcorp).

NM_001875.5(CPS1):c.4003-3C>A

Gene: CPS1 (carbamoyl-phosphate synthase 1; plus strand). Cytogenetic location: 2q34.
Variant type: single nucleotide variant.
Coding change: c.4003-3C>A on transcript NM_001875.5 (MANE Select); 3 bases into the intron before coding-DNA position 4003, C replaced by A.
Molecular consequence: intron variant.
Genome position (GRCh38, 1-based): chr2:210,668,183, C>A. VCF-style: chr2-210668183-C-A. GRCh37 (hg19) VCF-style: chr2-211532907-C-A.
Other names: c.4003-3C>A (NM_001369257.1, NM_001122633.3); c.4036-3C>A (NM_001369256.1).
Identifiers: ClinVar variation 1384359 (VCV001384359.4), dbSNP rs779886770, ClinGen allele CA2087155.